The following is an entry in ClinVar:

NM_001323289.2(CDKL5):c.993_994dup (p.Ser332fs)

Gene: CDKL5 (cyclin dependent kinase like 5; plus strand). Cytogenetic location: Xp22.13.
Variant type: Duplication.
Coding change: c.993_994dup on transcript NM_001323289.2 (MANE Select); coding-DNA positions 993 to 994, 2 bases duplicated (AA; older notation c.993_994dupAA).
Protein change: p.Ser332fs; shifts the reading frame from serine 332.
Molecular consequence: frameshift variant.
Genome position (GRCh38, 1-based): chrX:18,603,917-18,603,918, AA duplicated; duplicating any 2 consecutive bases within chrX:18,603,915-18,603,918 gives the same sequence; the c. name uses the placement nearest the transcript's 3' end. VCF-style (leftmost placement, unchanged base first): chrX-18603914-C-CAA. GRCh37 (hg19) VCF-style: chrX-18622034-C-CAA.
Other names: c.993_994dup, p.Ser332fs (NM_001037343.2, NM_003159.3); short protein forms S332fs.
Identifiers: ClinVar variation 1354281 (VCV001354281.6), dbSNP rs2147160115, ClinGen allele CA2573158469.

ClinVar aggregate classification (germline): Pathogenic (1 of 4 stars; one submission).

Conditions:
Angelman syndrome-like. Identifiers: MedGen CN128785.
Developmental and epileptic encephalopathy, 2 (DEE2). Also called: INFANTILE SPASM SYNDROME, X-LINKED 2; CDKL5 deficiency disorder. Identifiers: Orphanet 1934, Orphanet 3451, Orphanet 505652, MedGen C4750718, MONDO:0010396, OMIM 300672.

Submission:

Labcorp Genetics (formerly Invitae), Labcorp
Classification: Pathogenic for Developmental and epileptic encephalopathy, 2; Angelman syndrome-like. Last evaluated: 2023-08-24. Review status: criteria provided, single submitter. Criteria: Invitae Variant Classification Sherloc (09022015). Collection method: clinical testing. Allele origin: germline.
Comment: This sequence change creates a premature translational stop signal (p.Ser332Lysfs*19) in the CDKL5 gene. It is expected to result in an absent or disrupted protein product. Loss-of-function variants in CDKL5 are known to be pathogenic (PMID: 22872100). This variant is not present in population databases (gnomAD no frequency). This variant has not been reported in the literature in individuals affected with CDKL5-related conditions. ClinVar contains an entry for this variant (Variation ID: 1354281). For these reasons, this variant has been classified as Pathogenic.

Literature cited by the submitters: PubMed 22872100.